The following is an entry in ClinVar:

GRCh37/hg19 12p11.21(chr12:32717818-32778686)x4

Gene: FGD4 (FYVE, RhoGEF and PH domain containing 4; plus strand). Cytogenetic location: 12p11.21.
Variant type: copy number gain.
Change: copy number 4 of chr12:32,717,818-32,778,686 (60.9 kb, GRCh37 coordinates, 1-based), cytogenetic band 12p11.21.
Identifiers: ClinVar variation 598942 (VCV000598942.3).

ClinVar aggregate classification (germline): Likely pathogenic (0 of 4 stars; one submission).

Conditions:
Charcot-Marie-Tooth disease type 4H (CMT4H). Also called: CHARCOT-MARIE-TOOTH DISEASE, AUTOSOMAL RECESSIVE, TYPE 4H; CHARCOT-MARIE-TOOTH DISEASE, DEMYELINATING, AUTOSOMAL RECESSIVE, TYPE 4H; CHARCOT-MARIE-TOOTH NEUROPATHY, TYPE 4H; CHARCOT-MARIE-TOOTH DISEASE, DEMYELINATING, TYPE 4H. Identifiers: Orphanet 99954, MedGen C1836336, MONDO:0012250, OMIM 609311.

Submission:

Service de genetique medicale, Pr. Levy, Hopital de La Timone Enfants, APHM
Classification: Likely pathogenic for Charcot-Marie-Tooth disease type 4H. Last evaluated: 2018-11-07. Review status: no assertion criteria provided. Collection method: clinical testing. Allele origin: inherited. Inheritance: Autosomal recessive inheritance. Affected: yes. Observed: 1 homozygote.
Comment: Pathogenic variants reported in FGD4 gene, homozygote or compound heterozygote, lead to truncated or absent protein causative for a demyelinating neuropathy (Dohrn MF et al, J Neurochem. 2017 Dec;143(5):507-522; Hyun YS et al, Ann Hum Genet. 2015 Nov;79(6):460-9). This CNV gain have been suspected on read depth based analysis of high throughput sequencing data. Moreover, no SNV has been retained as pathogenic. Phenotype is consistent with FGD4-associated neuropathy.